The following is an entry in ClinVar:

NM_014712.3(SETD1A):c.2520G>A (p.Ala840=)

Gene: SETD1A (SET domain containing 1A, histone lysine methyltransferase; plus strand). Cytogenetic location: 16p11.2.
Variant type: single nucleotide variant.
Coding change: c.2520G>A on transcript NM_014712.3 (MANE Select); coding-DNA position 2520, G replaced by A.
Protein change: p.Ala840=; no amino-acid change (alanine 840 retained).
Molecular consequence: synonymous variant.
Genome position (GRCh38, 1-based): chr16:30,966,898, G>A. VCF-style: chr16-30966898-G-A. GRCh37 (hg19) VCF-style: chr16-30978219-G-A.
Identifiers: ClinVar variation 4872158 (VCV004872158.2).

ClinVar aggregate classification (germline): Likely benign (1 of 4 stars; one submission).

gnomAD v4.1: 79 of 1,560,908 alleles (0.0051%); highest among the groups gnomAD compares: East Asian, 0.024%; no homozygotes.

Submission:

CeGaT Center for Human Genetics Tuebingen
Classification: Likely benign. Last evaluated: 2026-05-01. Review status: criteria provided, single submitter. Criteria: CeGaT Center For Human Genetics Tuebingen Variant Classification Criteria Version 2. Collection method: clinical testing. Allele origin: germline. Affected: yes. Observed: 1 variant allele.
Comment: SETD1A: BP4, BP7